The following is an entry in ClinVar:

ClinVar aggregate classification (germline): Conflicting classifications of pathogenicity. Review status: criteria provided, conflicting classifications (1 of 4 stars). 5 submissions from 5 submitters: Pathogenic (1); Likely pathogenic (3); Uncertain significance (1). Last evaluated 2025-09-25.

Conditions:
Glycine encephalopathy. Also called: Non-ketotic hyperglycinemia; Nonketotic hyperglycinemia. Identifiers: Orphanet 407, MedGen C0751748, MONDO:0011612, HP:0008288.

Allele frequency attached by ClinVar (database versions not stated): TOPMed below 0.00001; gnomAD 0.00001; gnomAD exomes 0.00001.
gnomAD v4.1: 4 of 1,613,452 alleles (0.00025%); highest among the groups gnomAD compares: Non-Finnish European, 0.00034%; no homozygotes.

Submissions (5):

Women's Health and Genetics/Laboratory Corporation of America, LabCorp
Classification: Uncertain significance. Last evaluated: 2025-09-25. Review status: criteria provided, single submitter. Criteria: LabCorp Variant Classification Summary - May 2015. Collection method: clinical testing. Allele origin: germline.
Comment: Variant summary: GLDC c.505T>C (p.Ser169Pro) results in a non-conservative amino acid change in the encoded protein sequence. Algorithms developed to predict the effect of missense changes on protein structure and function all suggest that this variant is likely to be disruptive. The variant was absent in 251306 control chromosomes (gnomAD). c.505T>C has been reported in the literature in an individual affected with Non-Ketotic Hyperglycinemia with another likely pathogenic variant in trans (Cloughlin_2017). These data suggest the variant may be associated with disease. To our knowledge, no experimental evidence demonstrating an impact on protein function has been reported. The following publication have been ascertained in the context of this evaluation (PMID: 27362913). ClinVar contains an entry for this variant (Variation ID: 1459544). Based on the evidence outlined above, the variant was classified as VUS-possibly pathogenic.

Natera, Inc.
Classification: Likely pathogenic for Non-ketotic hyperglycinemia. Last evaluated: 2024-09-20. Review status: criteria provided, single submitter. Criteria: Natera Variant Classification Schema (03/2026). Collection method: clinical testing. Allele origin: germline.
Comment: The c.505T>C variant in GLDC is a missense variant predicted to cause substitution of serine to proline at amino acid 169. This variant is rare in the general population with a frequency below the threshold expected for the associated phenotype(s). This variant has been observed in one or more individuals affected with the associated recessive disease, as either homozygous or compound heterozygous with a second variant (PMID: 27362913). This variant has been identified in one or more affected individual with a phenotype highly consistent with the associated gene (PMID: 27362913). Computational prediction algorithms indicate this variant is likely to affect gene or protein function. Given the available evidence, this variant is classified as Likely Pathogenic.

GeneDx
Classification: Likely pathogenic. Last evaluated: 2024-04-05. Review status: criteria provided, single submitter. Criteria: GeneDx Variant Classification Process June 2021. Collection method: clinical testing. Allele origin: germline. Affected: yes.
Comment: Not observed at significant frequency in large population cohorts (gnomAD); In silico analysis supports that this missense variant has a deleterious effect on protein structure/function; This variant is associated with the following publications: (PMID: 27362913)

Labcorp Genetics (formerly Invitae), Labcorp
Classification: Pathogenic for Glycine encephalopathy. Last evaluated: 2023-06-21. Review status: criteria provided, single submitter. Criteria: Invitae Variant Classification Sherloc (09022015). Collection method: clinical testing. Allele origin: germline.
Comment: For these reasons, this variant has been classified as Pathogenic. Advanced modeling of protein sequence and biophysical properties (such as structural, functional, and spatial information, amino acid conservation, physicochemical variation, residue mobility, and thermodynamic stability) performed at Invitae indicates that this missense variant is expected to disrupt GLDC protein function. ClinVar contains an entry for this variant (Variation ID: 1459544). This missense change has been observed in individual(s) with nonketotic hyperglycinemia (PMID: 27362913). In at least one individual the data is consistent with being in trans (on the opposite chromosome) from a pathogenic variant. This variant is present in population databases (no rsID available, gnomAD 0.007%). This sequence change replaces serine, which is neutral and polar, with proline, which is neutral and non-polar, at codon 169 of the GLDC protein (p.Ser169Pro).

Rady Children's Institute for Genomic Medicine, Rady Children's Hospital San Diego
Classification: Likely pathogenic for GLYCINE ENCEPHALOPATHY. Review status: criteria provided, single submitter. Criteria: ACMG Guidelines, 2015. Collection method: clinical testing. Allele origin: germline. Affected: yes.
Comment: This variant has been previously reported as a compound heterozygous change in a patient with glycine encephalopathy (PMID: 27362913). It is present in the heterozygous state in the gnomAD population database at a frequency of 0.0032% (1/31402) and is absent in the homozygous state. The c.505T>C (p.Ser169Pro) variant affects a highly conserved amino acid and is predicted by multiple in silico tools to have a deleterious effect on protein function. Based on the available evidence, the c.505T>C (p.Ser169Pro) variant is classified as Likely Pathogenic.

Literature cited by the submitters: PubMed 27362913 (cited by 3 submitters).

NM_000170.3(GLDC):c.505T>C (p.Ser169Pro)

Gene: GLDC (glycine decarboxylase; minus strand). Cytogenetic location: 9p24.1.
Variant type: single nucleotide variant.
Coding change: c.505T>C on transcript NM_000170.3 (MANE Select); coding-DNA position 505, T replaced by C.
Protein change: p.Ser169Pro; replaces serine 169 with proline.
Molecular consequence: missense variant.
Genome position (GRCh38, 1-based): chr9:6,610,322, A>G on the plus strand (T>C on the coding strand, the complement: GLDC is on the minus strand). VCF-style: chr9-6610322-A-G. GRCh37 (hg19) VCF-style: chr9-6610322-A-G.
Other names: c.505T>C (NM_000170.2); short protein forms S169P.
Identifiers: ClinVar variation 1459544 (VCV001459544.11), dbSNP rs1356375715, ClinGen allele CA372898566.